The following is an entry in ClinVar:

NM_003036.4(SKI):c.414G>T (p.Gln138His)

Gene: SKI (SKI proto-oncogene; plus strand). Cytogenetic location: 1p36.33.
Variant type: single nucleotide variant.
Coding change: c.414G>T on transcript NM_003036.4 (MANE Select); coding-DNA position 414, G replaced by T.
Protein change: p.Gln138His; replaces glutamine 138 with histidine.
Molecular consequence: missense variant.
Genome position (GRCh38, 1-based): chr1:2,229,180, G>T. VCF-style: chr1-2229180-G-T. GRCh37 (hg19) VCF-style: chr1-2160619-G-T.
Other names: short protein forms Q138H.
Identifiers: ClinVar variation 1969508 (VCV001969508.5), dbSNP rs2527577410, ClinGen allele CA337953153.

ClinVar aggregate classification (germline): Uncertain significance (1 of 4 stars; one submission).

Conditions:
Shprintzen-Goldberg syndrome (SGS). Also called: SHPRINTZEN-GOLDBERG CRANIOSYNOSTOSIS SYNDROME; CRANIOSYNOSTOSIS WITH ARACHNODACTYLY AND ABDOMINAL HERNIAS; Marfanoid disorder with craniosynostosis type 1; Marfanoid craniosynostosis syndrome; Shprintzen-Goldberg marfanoid syndrome. Identifiers: Orphanet 2462, MedGen C1321551, MONDO:0008426, OMIM 182212.

Allele frequency attached by ClinVar (database versions not stated): gnomAD exomes below 0.00001.
gnomAD v4.1: 1 of 1,611,544 alleles (0.000062%); highest among the groups gnomAD compares: Non-Finnish European, 0.000085%; no homozygotes.

Submission:

Labcorp Genetics (formerly Invitae), Labcorp
Classification: Uncertain significance for Shprintzen-Goldberg syndrome. Last evaluated: 2022-08-13. Review status: criteria provided, single submitter. Criteria: Invitae Variant Classification Sherloc (09022015). Collection method: clinical testing. Allele origin: germline.
Comment: Advanced modeling of protein sequence and biophysical properties (such as structural, functional, and spatial information, amino acid conservation, physicochemical variation, residue mobility, and thermodynamic stability) performed at Invitae indicates that this missense variant is expected to disrupt SKI protein function. This variant has not been reported in the literature in individuals affected with SKI-related conditions. This variant is not present in population databases (gnomAD no frequency). This sequence change replaces glutamine, which is neutral and polar, with histidine, which is basic and polar, at codon 138 of the SKI protein (p.Gln138His). In summary, the available evidence is currently insufficient to determine the role of this variant in disease. Therefore, it has been classified as a Variant of Uncertain Significance.